The following is an entry in ClinVar:

GRCh37/hg19 4p16.3-16.1(chr4:1752407-7489009)x1

Genes: ADD1 (adducin 1; plus strand), ADRA2C (adrenoceptor alpha 2C; plus strand), ASPNAT (aspartate N-acetyltransferase; plus strand), BLOC1S4 (biogenesis of lysosomal organelles complex 1 subunit 4; plus strand), C4orf50 (chromosome 4 open reading frame 50; minus strand) and 49 more. Cytogenetic location: 4p16.3-16.1.
Variant type: copy number loss.
Change: copy number 1 (one copy instead of two) of chr4:1,752,407-7,489,009 (5.74 Mb, GRCh37 coordinates, 1-based), cytogenetic band 4p16.3-16.1.
Identifiers: ClinVar variation 4682606 (VCV004682606.1).

ClinVar aggregate classification (germline): Pathogenic (1 of 4 stars; one submission).

Submission:

Quest Diagnostics Nichols Institute San Juan Capistrano
Classification: Pathogenic. Last evaluated: 2024-10-11. Review status: criteria provided, single submitter. Criteria: ACMG/ClinGen CNV Guidelines, 2019. Collection method: clinical testing. Allele origin: unknown.
Comment: This deletion involves at least 55 protein-coding genes as well as the proximal Wolf-Hirschhorn syndrome (WHS; OMIM 194190) critical region (Zhang 2023). While genes NSD2 and LETM1 are typically deleted in WHS, additional gene loss is likely required for the full expression of the phenotype (Battaglia 2015, Paradowska-Stolarz 2014). Thus, tis CNV is classified as pathogenic. References: Battaglia et al., Am J Med Genet C Semin Med Genet. 2015 Sep;169(3):216-23. PMID: 26239400 Paradowska-Stolarz, Adv Clin Exp Med. 2014 May-Jun;23(3):485-9. PMID: 24979523 Zhang et al., Front Genet. 2023 Jun 14:14:1174314. PMID: 37388934